The following is an entry in ClinVar:

ClinVar aggregate classification (germline): Uncertain significance (1 of 4 stars; one submission).

Allele frequency attached by ClinVar (database versions not stated): ExAC 0.00002; gnomAD exomes 0.00002; TOPMed 0.00002; gnomAD 0.00003; ESP Exome Variant Server 0.00008; 1000 Genomes Project 30x 0.00016; 1000 Genomes Project 0.00020.
gnomAD v4.1: 38 of 1,614,150 alleles (0.0024%); highest among the groups gnomAD compares: Middle Eastern, 0.016%; no homozygotes.

Submission:

GeneDx
Classification: Uncertain significance. Last evaluated: 2022-10-03. Review status: criteria provided, single submitter. Criteria: GeneDx Variant Classification Process June 2021. Collection method: clinical testing. Allele origin: germline. Affected: yes.
Comment: In silico analysis supports that this missense variant does not alter protein structure/function; Has not been previously published as pathogenic or benign to our knowledge

NM_016239.4(MYO15A):c.8620G>A (p.Ala2874Thr)

Gene: MYO15A (myosin XVA; plus strand). Cytogenetic location: 17p11.2.
Variant type: single nucleotide variant.
Coding change: c.8620G>A on transcript NM_016239.4 (MANE Select); coding-DNA position 8620, G replaced by A.
Protein change: p.Ala2874Thr; replaces alanine 2874 with threonine.
Molecular consequence: missense variant.
Genome position (GRCh38, 1-based): chr17:18,156,972, G>A. VCF-style: chr17-18156972-G-A. GRCh37 (hg19) VCF-style: chr17-18060286-G-A.
Other names: short protein forms A2874T.
Identifiers: ClinVar variation 1707840 (VCV001707840.2), dbSNP rs372191526, ClinGen allele CA8425219.